The following is an entry in ClinVar:

ClinVar aggregate classification (germline): Pathogenic. Review status: criteria provided, single submitter (1 of 4 stars). 2 submissions from 2 submitters: Pathogenic (1). 1 of the submissions does not count toward it. Last evaluated 2019-09-04.

Conditions:
Polycystic kidney disease, adult type (PKD1). Also called: Polycystic Kidney Disease 1, Autosomal Dominant; Polycystic kidney disease 1; Polycystic kidney disease 1, severe; POLYCYSTIC KIDNEY DISEASE 1 WITH OR WITHOUT POLYCYSTIC LIVER DISEASE; POLYCYSTIC KIDNEY DISEASE, ADULT, TYPE I; Polycystic Kidney, Autosomal Dominant. Identifiers: MedGen C3149841, MONDO:0008263, OMIM 173900.

Submissions (2):

Centre for Mendelian Genomics, University Medical Centre Ljubljana
Classification: Pathogenic for Polycystic kidney disease, adult type. Last evaluated: 2019-09-04. Review status: criteria provided, single submitter. Criteria: ACMG Guidelines, 2015. Collection method: clinical testing. Allele origin: unknown. Affected: yes.
Comment: This variant was classified as: Pathogenic. The following ACMG criteria were applied in classifying this variant: PVS1,PM2,PP4,PP5.

Bioscientia Institut fuer Medizinische Diagnostik GmbH, Sonic Healthcare
Classification: Pathogenic for Polycystic kidney disease, adult type. Last evaluated: 2017-09-18. Review status: no assertion criteria provided. Collection method: clinical testing. Allele origin: germline. Affected: yes. Not counted in ClinVar's aggregate classification.

NM_001009944.3(PKD1):c.7861G>T (p.Glu2621Ter)

Gene: PKD1 (polycystin 1, transient receptor potential channel interacting; minus strand). Cytogenetic location: 16p13.3.
Variant type: single nucleotide variant.
Coding change: c.7861G>T on transcript NM_001009944.3 (MANE Select); coding-DNA position 7861, G replaced by T.
Protein change: p.Glu2621Ter; replaces glutamic acid 2621 with a stop codon.
Molecular consequence: nonsense.
Genome position (GRCh38, 1-based): chr16:2,105,867, C>A on the plus strand (G>T on the coding strand, the complement: PKD1 is on the minus strand). VCF-style: chr16-2105867-C-A. GRCh37 (hg19) VCF-style: chr16-2155868-C-A.
Other names: c.7861G>T, p.Glu2621Ter (NM_000296.4); short protein forms E2621*.
Identifiers: ClinVar variation 522439 (VCV000522439.5), dbSNP rs762003393, ClinGen allele CA394367599.
Genomic context (GRCh38, chr16:2,105,867, plus strand): 5'-GTCTTGGTCCCAAGCACGCATGCAGCAGATGTGACGTCCCCTCCCAGGCTGCACTCACCT[C>A]GTTCAGCACGGTGACCAGGGCCAACGAGTACTCGATGACGTGCTGGGGATCGGCCTGCCG-3'